The following is an entry in ClinVar:

ClinVar aggregate classification (germline): Pathogenic. Review status: criteria provided, multiple submitters, no conflicts (2 of 4 stars). 2 submissions from 2 submitters: Pathogenic (2). Last evaluated 2024-12-30.

Conditions:
Neurofibromatosis, type 2 (SWNV). Also called: BILATERAL ACOUSTIC NEUROFIBROMATOSIS; SCHWANNOMATOSIS, VESTIBULAR; NF2-Related Schwannomatosis. Identifiers: Orphanet 637, MedGen C0027832, MONDO:0007039, OMIM 101000. Disease mechanism: loss of function.

Submissions (2):

GeneDx
Classification: Pathogenic. Last evaluated: 2024-12-30. Review status: criteria provided, single submitter. Criteria: GeneDx Variant Classification Process June 2021. Collection method: clinical testing. Allele origin: germline. Affected: yes.
Comment: Canonical splice site variant predicted to result in a null allele in a gene for which loss of function is a known mechanism of disease; Not observed at significant frequency in large population cohorts (gnomAD); This variant is associated with the following publications: (PMID: 25452392, 25525159, 18033041, 16983642)

Labcorp Genetics (formerly Invitae), Labcorp
Classification: Pathogenic for Neurofibromatosis, type 2. Last evaluated: 2022-08-15. Review status: criteria provided, single submitter. Criteria: Invitae Variant Classification Sherloc (09022015). Collection method: clinical testing. Allele origin: germline.
Comment: For these reasons, this variant has been classified as Pathogenic. Algorithms developed to predict the effect of sequence changes on RNA splicing suggest that this variant may disrupt the consensus splice site. ClinVar contains an entry for this variant (Variation ID: 1502079). Disruption of this splice site has been observed in individuals with neurofibromatosis type 2 (PMID: 7535084, 18033041; Invitae). This variant is not present in population databases (gnomAD no frequency). This sequence change affects a donor splice site in intron 12 of the NF2 gene. It is expected to disrupt RNA splicing. Variants that disrupt the donor or acceptor splice site typically lead to a loss of protein function (PMID: 16199547), and loss-of-function variants in NF2 are known to be pathogenic (PMID: 9643284, 16983642).

Literature cited by the submitters: PubMed 7535084 (cited by Labcorp Genetics (formerly Invitae), Labcorp); PubMed 18033041 (cited by Labcorp Genetics (formerly Invitae), Labcorp); PubMed 16199547 (cited by Labcorp Genetics (formerly Invitae), Labcorp); PubMed 9643284 (cited by Labcorp Genetics (formerly Invitae), Labcorp); PubMed 16983642 (cited by Labcorp Genetics (formerly Invitae), Labcorp).

NM_000268.4(NF2):c.1340+1G>T

Gene: NF2 (NF2, moesin-ezrin-radixin like (MERLIN) tumor suppressor; plus strand). Cytogenetic location: 22q12.2.
Variant type: single nucleotide variant.
Coding change: c.1340+1G>T on transcript NM_000268.4 (MANE Select); the canonical splice donor site of the intron after coding-DNA position 1340, G replaced by T.
Molecular consequence: splice donor variant. On other transcripts: intron variant (1).
Genome position (GRCh38, 1-based): chr22:29,673,487, G>T. VCF-style: chr22-29673487-G-T. GRCh37 (hg19) VCF-style: chr22-30069476-G-T.
Other names: c.1340+1G>T (NM_016418.5, NM_181832.3, NM_001407060.1 and 2 more transcripts); c.1226+1G>T (NM_001407056.1, NM_001407053.1); c.1109+1G>T (NM_001407067.1); c.806+1G>T (NM_001407065.1); c.1205+1G>T (NM_001407059.1, NM_001407057.1); c.448-21265G>T (NM_181833.3); c.1217+1G>T (NM_001407058.1, NM_181829.3, NM_001407054.1); c.1082+1G>T (NM_001407062.1); and 2 more.
Identifiers: ClinVar variation 1502079 (VCV001502079.7), dbSNP rs2147084279, ClinGen allele CA411148745.